The following is an entry in ClinVar:

ClinVar aggregate classification (germline): Uncertain significance (1 of 4 stars; one submission).

Allele frequency attached by ClinVar (database versions not stated): gnomAD 0.00003.
gnomAD v4.1: 22 of 1,613,972 alleles (0.0014%); highest among the groups gnomAD compares: Admixed American, 0.0017%; no homozygotes.

Submission:

Labcorp Genetics (formerly Invitae), Labcorp
Classification: Uncertain significance. Last evaluated: 2022-03-27. Review status: criteria provided, single submitter. Criteria: Invitae Variant Classification Sherloc (09022015). Collection method: clinical testing. Allele origin: germline.
Comment: This sequence change replaces glycine, which is neutral and non-polar, with valine, which is neutral and non-polar, at codon 143 of the SH3PXD2B protein (p.Gly143Val). This variant is present in population databases (rs201056900, gnomAD 0.01%). This variant has not been reported in the literature in individuals affected with SH3PXD2B-related conditions. Algorithms developed to predict the effect of missense changes on protein structure and function are either unavailable or do not agree on the potential impact of this missense change (SIFT: "Deleterious"; PolyPhen-2: "Benign"; Align-GVGD: "Class C65"). In summary, the available evidence is currently insufficient to determine the role of this variant in disease. Therefore, it has been classified as a Variant of Uncertain Significance.

NM_001017995.3(SH3PXD2B):c.428G>T (p.Gly143Val)

Gene: SH3PXD2B (SH3 and PX domains 2B; minus strand). Cytogenetic location: 5q35.1.
Variant type: single nucleotide variant.
Coding change: c.428G>T on transcript NM_001017995.3 (MANE Select); coding-DNA position 428, G replaced by T.
Protein change: p.Gly143Val; replaces glycine 143 with valine.
Molecular consequence: missense variant.
Genome position (GRCh38, 1-based): chr5:172,362,869, C>A on the plus strand (G>T on the coding strand, the complement: SH3PXD2B is on the minus strand). VCF-style: chr5-172362869-C-A. GRCh37 (hg19) VCF-style: chr5-171789873-C-A.
Other names: c.428G>T, p.Gly143Val (NM_001308175.2); short protein forms G143V.
Identifiers: ClinVar variation 1953634 (VCV001953634.2), dbSNP rs201056900, ClinGen allele CA132170189.
Genomic context (GRCh38, chr5:172,362,869, plus strand): 5'-TAGTTGGCTACCACCACATACTGCTCCAGGACCATGGGGTCCACTGAGGTTTGGTCACCC[C>A]CTGTGGATAGGAAACAGACATGACATCTGGCCACCACTCATGCATGAAAGAGCAGGAGTC-3'
Protein context (NP_001017995.1, residues 133-153): KEEHIGKKKS[Gly143Val]GDQTSVDPMV